The following is an entry in ClinVar:

ClinVar aggregate classification (germline): Uncertain significance (1 of 4 stars; one submission).

gnomAD v4.1: 6 of 1,614,174 alleles (0.00037%); highest among the groups gnomAD compares: African/African-American, 0.008%; no homozygotes.

Submission:

GeneDx
Classification: Uncertain significance. Last evaluated: 2026-10-02. Review status: criteria provided, single submitter. Criteria: GeneDx Variant Classification Process June 2021. Collection method: clinical testing. Allele origin: germline.
Comment: Not observed at significant frequency in large population cohorts (gnomAD); In silico analysis supports that this missense variant has a deleterious effect on protein structure/function; Has not been previously published as pathogenic or benign to our knowledge

NM_004614.5(TK2):c.761G>T (p.Arg254Leu)

Gene: TK2 (thymidine kinase 2; minus strand). Cytogenetic location: 16q21.
Variant type: single nucleotide variant.
Coding change: c.761G>T on transcript NM_004614.5 (MANE Select); coding-DNA position 761, G replaced by T.
Protein change: p.Arg254Leu; replaces arginine 254 with leucine.
Molecular consequence: missense variant. On other transcripts: 3 prime UTR variant (1), non-coding transcript variant (1).
Genome position (GRCh38, 1-based): chr16:66,512,005, C>A on the plus strand (G>T on the coding strand, the complement: TK2 is on the minus strand). VCF-style: chr16-66512005-C-A. GRCh37 (hg19) VCF-style: chr16-66545908-C-A.
Other names: c.668G>T, p.Arg223Leu (NM_001172643.1); c.686G>T, p.Arg229Leu (NM_001172644.2); c.707G>T, p.Arg236Leu (NM_001172645.2); c.614G>T, p.Arg205Leu (NM_001271934.2); c.*58G>T (NM_001271935.1); c.470G>T, p.Arg157Leu (NM_001272050.2); short protein forms R157L, R205L, R223L, R229L, R236L, R254L.
Identifiers: ClinVar variation 3897200 (VCV003897200.2).